The following is an entry in ClinVar:

NM_020791.4(TAOK1):c.1204-7_1204-6del

Gene: TAOK1 (TAO kinase 1; plus strand). Cytogenetic location: 17q11.2.
Variant type: Deletion.
Coding change: c.1204-7_1204-6del on transcript NM_020791.4 (MANE Select); 7 bases into the intron before coding-DNA position 1204 through 6 bases into the intron before coding-DNA position 1204, 2 bases deleted (TT; older notation c.1204-7_1204-6delTT).
Molecular consequence: intron variant.
Genome position (GRCh38, 1-based): chr17:29,502,582-29,502,583, TT deleted; deleting any 2 consecutive bases within chr17:29,502,571-29,502,583 gives the same sequence; the c. name uses the placement nearest the transcript's 3' end. VCF-style (leftmost placement, unchanged base first): chr17-29502570-CTT-C. GRCh37 (hg19) VCF-style: chr17-27829588-CTT-C.
Other names: c.1204-7_1204-6del (NM_025142.1).
Identifiers: ClinVar variation 3038440 (VCV003038440.2), dbSNP rs367720840, ClinGen allele CA8474620.

ClinVar aggregate classification (germline): Likely benign (0 of 4 stars; one submission).

Conditions:
TAOK1-related disorder. Also called: TAOK1-related condition.

Submission:

PreventionGenetics, part of Exact Sciences
Classification: Likely benign for TAOK1-related condition. Last evaluated: 2019-11-07. Review status: no assertion criteria provided. Collection method: clinical testing. Allele origin: germline.
Comment: This variant is classified as likely benign based on ACMG/AMP sequence variant interpretation guidelines (Richards et al. 2015 PMID: 25741868, with internal and published modifications).